The following is an entry in ClinVar:

NM_001843.4(CNTN1):c.3031G>A (p.Gly1011Ser)

Gene: CNTN1 (contactin 1; plus strand). Cytogenetic location: 12q12.
Variant type: single nucleotide variant.
Coding change: c.3031G>A on transcript NM_001843.4 (MANE Select); coding-DNA position 3031, G replaced by A.
Protein change: p.Gly1011Ser; replaces glycine 1011 with serine.
Molecular consequence: missense variant.
Genome position (GRCh38, 1-based): chr12:41,070,009, G>A. VCF-style: chr12-41070009-G-A. GRCh37 (hg19) VCF-style: chr12-41463811-G-A.
Other names: c.3031G>A (NM_001843.2); c.2998G>A, p.Gly1000Ser (NM_175038.2); short protein forms G1011S, G1000S.
Identifiers: ClinVar variation 451957 (VCV000451957.9), dbSNP rs200796487, ClinGen allele CA6517292.
Genomic context (GRCh38, chr12:41,070,009, plus strand): 5'-TACCTTGCAGGTGCACCCACCCTATCCCCAAGTCTTCTCGGCTTACTGCTGCCTGCCTTT[G>A]GCATCCTTGTCTACTTGGAATTCTGAATGTGTTGTGACAGCTGCTGTTCCCATCCCAGCT-3'
Protein context (NP_001834.2, residues 1001-1018): SLLGLLLPAF[Gly1011Ser]ILVYLEF

ClinVar aggregate classification (germline): Uncertain significance. Review status: criteria provided, multiple submitters, no conflicts (2 of 4 stars). 3 submissions from 3 submitters: Uncertain significance (3). Last evaluated 2025-03-05.

Conditions:
Inborn genetic diseases. Identifiers: MedGen C0950123, MeSH D030342.
Compton-North congenital myopathy (CMYO12). Identifiers: Orphanet 210163, MedGen C2675527, MONDO:0012929, OMIM 612540.

Allele frequency attached by ClinVar (database versions not stated): gnomAD 0.00005 and 0.00006; ExAC 0.00007; gnomAD exomes 0.00007 and 0.00015; TOPMed 0.00007; ESP Exome Variant Server 0.00008.
gnomAD v4.1: 234 of 1,613,808 alleles (0.014%); highest among the groups gnomAD compares: South Asian, 0.033%; no homozygotes.

Submissions (3):

Ambry Genetics
Classification: Uncertain significance for Inborn genetic diseases. Last evaluated: 2025-03-05. Review status: criteria provided, single submitter. Criteria: Ambry Variant Classification Scheme 2023. Collection method: clinical testing. Allele origin: germline.

Labcorp Genetics (formerly Invitae), Labcorp
Classification: Uncertain significance for Compton-North congenital myopathy. Last evaluated: 2022-11-22. Review status: criteria provided, single submitter. Criteria: Invitae Variant Classification Sherloc (09022015). Collection method: clinical testing. Allele origin: germline.
Comment: In summary, the available evidence is currently insufficient to determine the role of this variant in disease. Therefore, it has been classified as a Variant of Uncertain Significance. Advanced modeling of protein sequence and biophysical properties (such as structural, functional, and spatial information, amino acid conservation, physicochemical variation, residue mobility, and thermodynamic stability) performed at Invitae indicates that this missense variant is not expected to disrupt CNTN1 protein function. ClinVar contains an entry for this variant (Variation ID: 451957). This variant has not been reported in the literature in individuals affected with CNTN1-related conditions. This variant is present in population databases (rs200796487, gnomAD 0.03%). This sequence change replaces glycine, which is neutral and non-polar, with serine, which is neutral and polar, at codon 1011 of the CNTN1 protein (p.Gly1011Ser).

GeneDx
Classification: Uncertain significance. Last evaluated: 2017-09-08. Review status: criteria provided, single submitter. Criteria: GeneDx Variant Classification (06012015). Collection method: clinical testing. Allele origin: germline. Affected: yes.
Comment: A variant of uncertain significance has been identified in the CNTN1 gene. The c.3031 G>A variant has not been published as a pathogenic variant, nor has it been reported as a benign variant to our knowledge. The c.3031 G>A variant is observed in 4/16510 (0.2%) alleles from individuals of South Asian background (Lek et al., 2016; 1000 Genomes Consortium et al., 2015; Exome Variant Server). Several in-silico splice prediction models predict that c.3031 G>A creates a cryptic acceptor site which may supplant the natural acceptor site and lead to abnormal gene splicing. However, in the absence of RNA/functional studies, the actual effect of this sequence change in this individual is unknown. If the c.3031 G>A variant does not impact splicing, it will result in a G1011S missense variant. The G1011S variant is a non-conservative amino acid substitution, which is likely to impact secondary protein structure as these residues differ in polarity, charge, size and/or other properties. This substitution occurs at a position where amino acids with similar properties to Serine are tolerated across species. In silico analysis is inconsistent in its predictions as to whether or not the variant is damaging to the protein structure/function. Therefore, based on the currently available information, it is unclear whether this variant is a pathogenic variant or a rare benign variant.